The following is an entry in ClinVar:

ClinVar aggregate classification (germline): Uncertain significance. Review status: criteria provided, multiple submitters, no conflicts (2 of 4 stars). 2 submissions from 2 submitters: Uncertain significance (2). Last evaluated 2025-04-08.

Conditions:
Hereditary cancer-predisposing syndrome. Also called: Hereditary neoplastic syndrome; Tumor predisposition; Neoplastic Syndromes, Hereditary; Hereditary Cancer Syndrome. Identifiers: Orphanet 140162, MedGen C0027672, MeSH D009386, MONDO:0015356.
Gorlin syndrome. Also called: Nevoid Basal Cell Carcinoma Syndrome; Basal cell nevus syndrome. Identifiers: Orphanet 377, MedGen C0004779, MONDO:0007187.

Submissions (2):

Labcorp Genetics (formerly Invitae), Labcorp
Classification: Uncertain significance for Gorlin syndrome. Last evaluated: 2025-04-08. Review status: criteria provided, single submitter. Criteria: Invitae Variant Classification Sherloc (09022015). Collection method: clinical testing. Allele origin: germline.
Comment: This sequence change replaces tyrosine, which is neutral and polar, with histidine, which is basic and polar, at codon 873 of the PTCH1 protein (p.Tyr873His). This variant is not present in population databases (gnomAD no frequency). This variant has not been reported in the literature in individuals affected with PTCH1-related conditions. ClinVar contains an entry for this variant (Variation ID: 1476797). Invitae Evidence Modeling of protein sequence and biophysical properties (such as structural, functional, and spatial information, amino acid conservation, physicochemical variation, residue mobility, and thermodynamic stability) indicates that this missense variant is not expected to disrupt PTCH1 protein function with a negative predictive value of 95%. In summary, the available evidence is currently insufficient to determine the role of this variant in disease. Therefore, it has been classified as a Variant of Uncertain Significance.

Ambry Genetics
Classification: Uncertain significance for Hereditary cancer-predisposing syndrome. Last evaluated: 2025-03-07. Review status: criteria provided, single submitter. Criteria: Ambry Variant Classification Scheme 2023. Collection method: clinical testing. Allele origin: germline.
Comment: The p.Y873H variant (also known as c.2617T>C), located in coding exon 16 of the PTCH1 gene, results from a T to C substitution at nucleotide position 2617. The tyrosine at codon 873 is replaced by histidine, an amino acid with similar properties. This amino acid position is conserved. In addition, this alteration is predicted to be deleterious by in silico analysis. Since supporting evidence is limited at this time, the clinical significance of this alteration remains unclear.

NM_000264.5(PTCH1):c.2617T>C (p.Tyr873His)

Gene: PTCH1 (patched 1; minus strand). Cytogenetic location: 9q22.32.
Variant type: single nucleotide variant.
Coding change: c.2617T>C on transcript NM_000264.5 (MANE Select); coding-DNA position 2617, T replaced by C.
Protein change: p.Tyr873His; replaces tyrosine 873 with histidine.
Molecular consequence: missense variant. On other transcripts: non-coding transcript variant (1).
Genome position (GRCh38, 1-based): chr9:95,461,942, A>G on the plus strand (T>C on the coding strand, the complement: PTCH1 is on the minus strand). VCF-style: chr9-95461942-A-G. GRCh37 (hg19) VCF-style: chr9-98224224-A-G.
Other names: c.2461T>C, p.Tyr821His (NM_001354918.2); c.2419T>C, p.Tyr807His (NM_001083602.3); c.2614T>C, p.Tyr872His (NM_001083603.3); c.2164T>C, p.Tyr722His (NM_001083604.3, NM_001083605.3, NM_001083606.3 and 1 more transcripts); short protein forms Y807H, Y872H, Y873H, Y722H, Y821H.
Identifiers: ClinVar variation 1476797 (VCV001476797.11), dbSNP rs2136688723, ClinGen allele CA374113464.